The following is an entry in ClinVar:

ClinVar aggregate classification (germline): Uncertain significance. Review status: criteria provided, multiple submitters, no conflicts (2 of 4 stars). 2 submissions from 2 submitters: Uncertain significance (2). Last evaluated 2025-11-30.

Conditions:
Hereditary cancer-predisposing syndrome. Also called: Hereditary Cancer Syndrome; Neoplastic Syndromes, Hereditary; Hereditary neoplastic syndrome; Tumor predisposition. Identifiers: Orphanet 140162, MedGen C0027672, MeSH D009386, MONDO:0015356.
EGFR-related lung cancer (EGFR). Identifiers: MedGen CN130014.

Submissions (2):

Ambry Genetics
Classification: Uncertain significance for Hereditary cancer-predisposing syndrome. Last evaluated: 2025-11-30. Review status: criteria provided, single submitter. Criteria: Ambry Variant Classification Scheme 2023. Collection method: clinical testing. Allele origin: germline.
Comment: The p.H888N variant (also known as c.2662C>A), located in coding exon 22 of the EGFR gene, results from a C to A substitution at nucleotide position 2662. The histidine at codon 888 is replaced by asparagine, an amino acid with similar properties. This amino acid position is conserved. In addition, this alteration is predicted to be tolerated by in silico analysis. Based on the available evidence, the clinical significance of this variant remains unclear.

Labcorp Genetics (formerly Invitae), Labcorp
Classification: Uncertain significance for EGFR-related lung cancer. Last evaluated: 2024-06-06. Review status: criteria provided, single submitter. Criteria: Invitae Variant Classification Sherloc (09022015). Collection method: clinical testing. Allele origin: germline.
Comment: This sequence change replaces histidine, which is basic and polar, with asparagine, which is neutral and polar, at codon 888 of the EGFR protein (p.His888Asn). This variant is not present in population databases (gnomAD no frequency). This variant has not been reported in the literature in individuals affected with EGFR-related conditions. Advanced modeling of protein sequence and biophysical properties (such as structural, functional, and spatial information, amino acid conservation, physicochemical variation, residue mobility, and thermodynamic stability) performed at Invitae indicates that this missense variant is not expected to disrupt EGFR protein function with a negative predictive value of 80%. In summary, the available evidence is currently insufficient to determine the role of this variant in disease. Therefore, it has been classified as a Variant of Uncertain Significance.

NM_005228.5(EGFR):c.2662C>A (p.His888Asn)

Gene: EGFR (epidermal growth factor receptor; plus strand). Cytogenetic location: 7p11.2.
Variant type: single nucleotide variant.
Coding change: c.2662C>A on transcript NM_005228.5 (MANE Select); coding-DNA position 2662, C replaced by A.
Protein change: p.His888Asn; replaces histidine 888 with asparagine.
Molecular consequence: missense variant.
Genome position (GRCh38, 1-based): chr7:55,192,802, C>A. VCF-style: chr7-55192802-C-A. GRCh37 (hg19) VCF-style: chr7-55260495-C-A.
Other names: c.2527C>A, p.His843Asn (NM_001346897.2, NM_001346899.2); c.2662C>A, p.His888Asn (NM_001346898.2); c.2503C>A, p.His835Asn (NM_001346900.2); c.1861C>A, p.His621Asn (NM_001346941.2); short protein forms H888N, H621N, H835N, H843N.
Identifiers: ClinVar variation 3655756 (VCV003655756.3).